The following is an entry in ClinVar:

ClinVar aggregate classification (germline): Pathogenic. Review status: criteria provided, single submitter (1 of 4 stars). 2 submissions from 2 submitters: Pathogenic (1). 1 of the submissions does not count toward it. Last evaluated 2019-03-28.

Conditions:
Rahman syndrome. Also called: HIST1H1E Syndrome. Identifiers: Orphanet 642763, MedGen C4479637, MONDO:0044323, OMIM 617537.

Submissions (2):

GeneDx
Classification: Pathogenic. Last evaluated: 2019-03-28. Review status: criteria provided, single submitter. Criteria: GeneDx Variant Classification Process June 2021. Collection method: clinical testing. Allele origin: germline. Affected: yes.
Comment: Frameshift variant in the C-terminus predicted to result in protein truncation, as the last 75 amino acids are lost and replaced with 50 incorrect amino acids; Not observed in large population cohorts (Lek et al., 2016); Has not been previously published as pathogenic or benign to our knowledge; This variant is associated with the following publications: (PMID: 31400068)

GeneReviews
No classification provided. Condition: Rahman syndrome. Review status: no classification provided. Collection method: literature only. Allele origin: de novo. Not counted in ClinVar's aggregate classification.

Literature cited by the submitters: NCBI Bookshelf NBK564966 (cited by GeneReviews); PubMed 33270410 (cited by GeneReviews).

NM_005321.3(H1-4):c.431dup (p.Ala145fs)

Gene: H1-4 (H1.4 linker histone, cluster member; plus strand). Cytogenetic location: 6p22.2.
Variant type: Duplication.
Coding change: c.431dup on transcript NM_005321.3 (MANE Select); coding-DNA position 431, one base duplicated (C; older notation c.431dupC).
Protein change: p.Ala145fs; shifts the reading frame from alanine 145.
Molecular consequence: frameshift variant.
Genome position (GRCh38, 1-based): chr6:26,156,821, C duplicated. VCF-style (leftmost placement, unchanged base first): chr6-26156820-G-GC. GRCh37 (hg19) VCF-style: chr6-26157048-G-GC.
Other names: short protein forms A145fs.
Identifiers: ClinVar variation 992673 (VCV000992673.5), dbSNP rs1764194450, ClinGen allele CA1139659463.